The following is an entry in ClinVar:

ClinVar aggregate classification (germline): Uncertain significance (1 of 4 stars; one submission).

gnomAD v4.1: 1 of 1,612,722 alleles (0.000062%); highest among the groups gnomAD compares: Non-Finnish European, 0.000085%; no homozygotes.

Submission:

Labcorp Genetics (formerly Invitae), Labcorp
Classification: Uncertain significance. Last evaluated: 2024-10-23. Review status: criteria provided, single submitter. Criteria: Invitae Variant Classification Sherloc (09022015). Collection method: clinical testing. Allele origin: germline.
Comment: This sequence change replaces glutamic acid, which is acidic and polar, with glycine, which is neutral and non-polar, at codon 273 of the COL9A1 protein (p.Glu273Gly). This variant is not present in population databases (gnomAD no frequency). This variant has not been reported in the literature in individuals affected with COL9A1-related conditions. Invitae Evidence Modeling of protein sequence and biophysical properties (such as structural, functional, and spatial information, amino acid conservation, physicochemical variation, residue mobility, and thermodynamic stability) indicates that this missense variant is not expected to disrupt COL9A1 protein function with a negative predictive value of 95%. In summary, the available evidence is currently insufficient to determine the role of this variant in disease. Therefore, it has been classified as a Variant of Uncertain Significance.

NM_001851.6(COL9A1):c.818A>G (p.Glu273Gly)

Gene: COL9A1 (collagen type IX alpha 1 chain; minus strand). Cytogenetic location: 6q13.
Variant type: single nucleotide variant.
Coding change: c.818A>G on transcript NM_001851.6 (MANE Select); coding-DNA position 818, A replaced by G.
Protein change: p.Glu273Gly; replaces glutamic acid 273 with glycine.
Molecular consequence: missense variant. On other transcripts: non-coding transcript variant (1).
Genome position (GRCh38, 1-based): chr6:70,281,448, T>C on the plus strand (A>G on the coding strand, the complement: COL9A1 is on the minus strand). VCF-style: chr6-70281448-T-C. GRCh37 (hg19) VCF-style: chr6-70991151-T-C.
Other names: c.818A>G, p.Glu273Gly (NM_001377291.1); c.89A>G, p.Glu30Gly (NM_078485.4, NM_001377289.1, NM_001377290.1); short protein forms E273G, E30G.
Identifiers: ClinVar variation 3690648 (VCV003690648.2).